The following is an entry in ClinVar:

ClinVar aggregate classification (germline): Uncertain significance. Review status: criteria provided, multiple submitters, no conflicts (2 of 4 stars). 2 submissions from 2 submitters: Uncertain significance (2). Last evaluated 2026-02-06.

Conditions:
Hereditary cancer-predisposing syndrome. Also called: Tumor predisposition; Hereditary Cancer Syndrome; Hereditary neoplastic syndrome; Neoplastic Syndromes, Hereditary. Identifiers: Orphanet 140162, MedGen C0027672, MeSH D009386, MONDO:0015356.
Mitochondrial complex II deficiency, nuclear type 1. Also called: SUCCINATE CoQ REDUCTASE DEFICIENCY. Identifiers: Orphanet 3208, MedGen C5700310, MONDO:0100294, OMIM 252011.
Pheochromocytoma/paraganglioma syndrome 5. Also called: Paragangliomas 5; SDHA-Related Hereditary Paraganglioma-Pheochromocytoma Syndrome. Identifiers: Orphanet 29072, MedGen C3279992, MONDO:0013602, OMIM 614165.

gnomAD v4.1: 5 of 1,613,572 alleles (0.00031%); highest among the groups gnomAD compares: Non-Finnish European, 0.00025%; no homozygotes.

Submissions (2):

Ambry Genetics
Classification: Uncertain significance for Hereditary cancer-predisposing syndrome. Last evaluated: 2026-02-06. Review status: criteria provided, single submitter. Criteria: Ambry Variant Classification Scheme 2023. Collection method: clinical testing. Allele origin: germline.
Comment: The p.D59G variant (also known as c.176A>G), located in coding exon 3 of the SDHA gene, results from an A to G substitution at nucleotide position 176. The aspartic acid at codon 59 is replaced by glycine, an amino acid with similar properties. This amino acid position is highly conserved in available vertebrate species. In addition, this alteration is predicted to be deleterious by in silico analysis. Based on the available evidence, the clinical significance of this variant remains unclear.

Labcorp Genetics (formerly Invitae), Labcorp
Classification: Uncertain significance for Pheochromocytoma/paraganglioma syndrome 5; Mitochondrial complex II deficiency, nuclear type 1. Last evaluated: 2025-11-18. Review status: criteria provided, single submitter. Criteria: Invitae Variant Classification Sherloc (09022015). Collection method: clinical testing. Allele origin: germline.
Comment: This sequence change replaces aspartic acid, which is acidic and polar, with glycine, which is neutral and non-polar, at codon 59 of the SDHA protein (p.Asp59Gly). This variant is present in population databases (no rsID available, gnomAD 0.0009%). This variant has not been reported in the literature in individuals affected with SDHA-related conditions. ClinVar contains an entry for this variant (Variation ID: 1415693). Invitae Evidence Modeling of protein sequence and biophysical properties (such as structural, functional, and spatial information, amino acid conservation, physicochemical variation, residue mobility, and thermodynamic stability) indicates that this missense variant is not expected to disrupt SDHA protein function with a negative predictive value of 95%. In summary, the available evidence is currently insufficient to determine the role of this variant in disease. Therefore, it has been classified as a Variant of Uncertain Significance.

NM_004168.4(SDHA):c.176A>G (p.Asp59Gly)

Gene: SDHA (succinate dehydrogenase complex flavoprotein subunit A; plus strand). Cytogenetic location: 5p15.33.
Variant type: single nucleotide variant.
Coding change: c.176A>G on transcript NM_004168.4 (MANE Select); coding-DNA position 176, A replaced by G.
Protein change: p.Asp59Gly; replaces aspartic acid 59 with glycine.
Molecular consequence: missense variant.
Genome position (GRCh38, 1-based): chr5:224,385, A>G. VCF-style: chr5-224385-A-G. GRCh37 (hg19) VCF-style: chr5-224500-A-G.
Other names: c.176A>G, p.Asp59Gly (NM_001294332.2, NM_001330758.2); short protein forms D59G.
Identifiers: ClinVar variation 1415693 (VCV001415693.9), dbSNP rs775449731, ClinGen allele CA359008419.